The following is an entry in ClinVar:

NM_021614.4(KCNN2):c.1219-16_1379del

Gene: KCNN2 (potassium calcium-activated channel subfamily N member 2; plus strand). Cytogenetic location: 5q22.3.
Variant type: Deletion.
Coding change: c.1219-16_1379del on transcript NM_021614.4 (MANE Select); 16 bases into the intron before coding-DNA position 1219 through coding-DNA position 1379, 177 bases deleted.
Molecular consequence: splice acceptor variant.
Genome position (GRCh38, 1-based): chr5:114,404,422-114,404,598, 177 bases deleted. GRCh37 (hg19): chr5:113,740,119-113,740,295.
Other names: c.1417-16_1577del (NM_001372233.1).
Identifiers: ClinVar variation 4070850 (VCV004070850.1).

ClinVar aggregate classification (germline): Uncertain significance (1 of 4 stars; one submission).

Submission:

GeneDx
Classification: Uncertain significance. Last evaluated: 2025-01-21. Review status: criteria provided, single submitter. Criteria: GeneDx Variant Classification Process June 2021. Collection method: clinical testing. Allele origin: germline. Affected: yes.
Comment: Canonical splice site variant in a gene or region of a gene for which loss of function is not a well-established mechanism of disease; Not observed at significant frequency in large population cohorts (gnomAD); Has not been previously published as pathogenic or benign to our knowledge